The following is an entry in ClinVar:

ClinVar aggregate classification (germline): Likely benign (1 of 4 stars; one submission).

Allele frequency attached by ClinVar (database versions not stated): TOPMed below 0.00001.
gnomAD v4.1: 1 of 1,614,184 alleles (0.000062%); highest among the groups gnomAD compares: Admixed American, 0.0017%; no homozygotes.

Submission:

Laboratory for Molecular Medicine, Mass General Brigham Personalized Medicine
Classification: Likely benign. Last evaluated: 2013-02-12. Review status: criteria provided, single submitter. Criteria: LMM Criteria. Collection method: clinical testing. Allele origin: germline. Observed: 1 variant allele.
Comment: Leu541Leu in exon 4A of TMPO: This variant is not expected to have clinical sign ificance because it does not alter an amino acid residue and is not located with in the splice consensus sequence. Leu541Leu in exon 4A of TMPO (allele frequenc y = N/A)

NM_001032283.3(TMPO):c.565+2042A>C

Gene: TMPO (thymopoietin; plus strand). Cytogenetic location: 12q23.1.
Variant type: single nucleotide variant.
Coding change: c.565+2042A>C on transcript NM_001032283.3 (MANE Select); 2042 bases into the intron after coding-DNA position 565, A replaced by C.
Molecular consequence: intron variant. On other transcripts: synonymous variant (1).
Genome position (GRCh38, 1-based): chr12:98,533,880, A>C. VCF-style: chr12-98533880-A-C. GRCh37 (hg19) VCF-style: chr12-98927658-A-C.
Other names: c.1623A>C, p.Leu541= (NM_003276.2); c.565+2042A>C (NM_001307975.2, NM_001032284.3).
Identifiers: ClinVar variation 44665 (VCV000044665.5), dbSNP rs397516842, ClinGen allele CA134805.